The following is an entry in ClinVar:

NM_004082.5(DCTN1):c.1408A>G (p.Met470Val)

Gene: DCTN1 (dynactin subunit 1; minus strand). Cytogenetic location: 2p13.1.
Variant type: single nucleotide variant.
Coding change: c.1408A>G on transcript NM_004082.5 (MANE Select); coding-DNA position 1408, A replaced by G.
Protein change: p.Met470Val; replaces methionine 470 with valine.
Molecular consequence: missense variant. On other transcripts: non-coding transcript variant (1).
Genome position (GRCh38, 1-based): chr2:74,369,476, T>C on the plus strand (A>G on the coding strand, the complement: DCTN1 is on the minus strand). VCF-style: chr2-74369476-T-C. GRCh37 (hg19) VCF-style: chr2-74596603-T-C.
Other names: c.1297A>G, p.Met433Val (NM_001190836.2); c.1387A>G, p.Met463Val (NM_001190837.2); c.1357A>G, p.Met453Val (NM_001378991.1); c.1339A>G, p.Met447Val (NM_001378992.1); c.1006A>G, p.Met336Val (NM_023019.4, NM_001135041.3); c.1348A>G, p.Met450Val (NM_001135040.3); short protein forms M336V, M453V, M463V, M470V, M433V, M447V, M450V.
Identifiers: ClinVar variation 2002754 (VCV002002754.4), dbSNP rs1195325380, ClinGen allele CA347359193.

ClinVar aggregate classification (germline): Uncertain significance (1 of 4 stars; one submission).

Conditions:
Amyotrophic lateral sclerosis type 1 (ALS1). Also called: AMYOTROPHIC LATERAL SCLEROSIS 1, FAMILIAL. Identifiers: Orphanet 803, MedGen C1862939, MONDO:0007103, OMIM 105400.
Perry syndrome. Also called: PARKINSONISM WITH ALVEOLAR HYPOVENTILATION AND MENTAL DEPRESSION. Identifiers: Orphanet 178509, MedGen C1868594, MONDO:0008201, OMIM 168605.
Neuronopathy, distal hereditary motor, type 7B. Also called: Distal Hereditary Motor Neuronopathy Type 7B (dHMN7B); NEURONOPATHY, DISTAL HEREDITARY MOTOR, AUTOSOMAL DOMINANT 14; NEURONOPATHY, DISTAL HEREDITARY MOTOR, HARDING TYPE VIIB; NEUROPATHY, DISTAL HEREDITARY MOTOR, HARDING TYPE VIIB; NEUROPATHY, DISTAL HEREDITARY MOTOR, WITH VOCAL CORD PARALYSIS, HARDING TYPE VIIB; HMN VIIB. Identifiers: Orphanet 139589, MedGen C1843315, MONDO:0011879, OMIM 607641.

Allele frequency attached by ClinVar (database versions not stated): gnomAD 0.00001; TOPMed 0.00001.
gnomAD v4.1: 2 of 1,613,408 alleles (0.00012%); highest among the groups gnomAD compares: Non-Finnish European, 0.000085%; no homozygotes.

Submission:

Labcorp Genetics (formerly Invitae), Labcorp
Classification: Uncertain significance for Amyotrophic lateral sclerosis type 1; Neuronopathy, distal hereditary motor, type 7B; Perry syndrome. Last evaluated: 2025-05-07. Review status: criteria provided, single submitter. Criteria: Invitae Variant Classification Sherloc (09022015). Collection method: clinical testing. Allele origin: germline.
Comment: This sequence change replaces methionine, which is neutral and non-polar, with valine, which is neutral and non-polar, at codon 470 of the DCTN1 protein (p.Met470Val). This variant is not present in population databases (gnomAD no frequency). This variant has not been reported in the literature in individuals affected with DCTN1-related conditions. ClinVar contains an entry for this variant (Variation ID: 2002754). Invitae Evidence Modeling of protein sequence and biophysical properties (such as structural, functional, and spatial information, amino acid conservation, physicochemical variation, residue mobility, and thermodynamic stability) indicates that this missense variant is not expected to disrupt DCTN1 protein function with a negative predictive value of 95%. In summary, the available evidence is currently insufficient to determine the role of this variant in disease. Therefore, it has been classified as a Variant of Uncertain Significance.